The following is an entry in ClinVar:

NM_003172.4(SURF1):c.574_575insCTGC (p.Arg192fs)

Gene: SURF1 (SURF1 cytochrome c oxidase assembly factor; minus strand). Cytogenetic location: 9q34.2.
Variant type: Insertion.
Coding change: c.574_575insCTGC on transcript NM_003172.4 (MANE Select); coding-DNA positions 574 to 575, CTGC inserted.
Protein change: p.Arg192fs; shifts the reading frame from arginine 192.
Molecular consequence: frameshift variant.
Genome position: GRCh38 VCF-style: chr9-133352707-C-CGCAG. GRCh37 (hg19) VCF-style: chr9-136219562-C-CGCAG.
Other names: c.247_248insCTGC, p.Arg83fs (NM_001280787.1); short protein forms R192fs, R83fs.
Identifiers: ClinVar variation 419973 (VCV000419973.22), dbSNP rs782289759, ClinGen allele CA16618782.

ClinVar aggregate classification (germline): Pathogenic/Likely pathogenic. Review status: criteria provided, multiple submitters, no conflicts (2 of 4 stars). 9 submissions from 9 submitters: Pathogenic (7); Likely pathogenic (2). Last evaluated 2026-01-13.

Conditions:
Inborn genetic diseases. Identifiers: MedGen C0950123, MeSH D030342.
Leigh syndrome (NULS). Also called: Leigh's syndrome; Leigh's necrotizing encephalopathy; Leigh's disease; LEIGH SYNDROME, NUCLEAR; Leigh Disease; Subacute necrotizing encephalopathy. Identifiers: Orphanet 506, MedGen C2931891, MONDO:0009723, OMIM 256000.
Mitochondrial complex IV deficiency, nuclear type 1 (MC4DN1). Also called: COX DEFICIENCY; Mitochondrial complex IV deficiency; Complex 4 mitochondrial respiratory chain deficiency; Deficiency of mitochondrial respiratory chain complex4; Complex IV deficiency. Identifiers: MedGen C5435656, MONDO:0700250, OMIM 220110. Disease mechanism: loss of function.

Submissions (9):

Labcorp Genetics (formerly Invitae), Labcorp
Classification: Pathogenic for Leigh syndrome. Last evaluated: 2026-01-13. Review status: criteria provided, single submitter. Criteria: Invitae Variant Classification Sherloc (09022015). Collection method: clinical testing. Allele origin: germline.
Comment: This sequence change creates a premature translational stop signal (p.Arg192Profs*8) in the SURF1 gene. It is expected to result in an absent or disrupted protein product. Loss-of-function variants in SURF1 are known to be pathogenic (PMID: 10443880, 22488715, 24027061). This variant is present in population databases (rs782289759, gnomAD 0.01%). This premature translational stop signal has been observed in individuals with Leigh syndrome (PMID: 10443880). This variant is also known as c.588insCTGC. ClinVar contains an entry for this variant (Variation ID: 419973). For these reasons, this variant has been classified as Pathogenic.

Ambry Genetics
Classification: Pathogenic for Inborn genetic diseases. Last evaluated: 2024-11-25. Review status: criteria provided, single submitter. Criteria: Ambry Variant Classification Scheme 2023. Collection method: clinical testing. Allele origin: germline.
Comment: The c.574_575insCTGC (p.R192Pfs*8) alteration, located in exon 6 (coding exon 6) of the SURF1 gene, consists of an insertion of CTGC at position 574, causing a translational frameshift with a predicted alternate stop codon after 8 amino acids. Frameshift alterations are typically deleterious in nature (Richards, 2015). Based on data from gnomAD, the c.574_575insCTGC allele has an overall frequency of 0.004% (12/280900) total alleles studied. The highest observed frequency was 0.008% (10/128104) of European (non-Finnish) alleles. Based on the available evidence, this alteration is classified as pathogenic.

Mayo Clinic Laboratories, Mayo Clinic
Classification: Pathogenic. Last evaluated: 2023-12-26. Review status: criteria provided, single submitter. Criteria: ACMG Guidelines, 2015. Collection method: clinical testing. Allele origin: germline.
Comment: PM2_moderate, PM3, PS4, PVS1

GeneDx
Classification: Pathogenic. Last evaluated: 2023-05-26. Review status: criteria provided, single submitter. Criteria: GeneDx Variant Classification Process June 2021. Collection method: clinical testing. Allele origin: germline. Affected: yes.
Comment: Frameshift variant predicted to result in protein truncation or nonsense mediated decay in a gene for which loss-of-function is a known mechanism of disease; Not observed at significant frequency in large population cohorts (gnomAD); This variant is associated with the following publications: (PMID: 22488715, 10443880, 24462369, 10556303, 15214016, 10746561, 36599233, 36463290, 34716721, 11317352, 29933018)

Department of Human Genetics, Hannover Medical School
Classification: Likely pathogenic for Mitochondrial complex IV deficiency, nuclear type 1. Last evaluated: 2022-08-04. Review status: criteria provided, single submitter. Criteria: ACMG Guidelines, 2015. Collection method: clinical testing. Allele origin: inherited. Inheritance: Autosomal recessive inheritance. Affected: yes.

Victorian Clinical Genetics Services, Murdoch Childrens Research Institute
Classification: Pathogenic for Mitochondrial complex IV deficiency, nuclear type 1. Last evaluated: 2022-02-02. Review status: criteria provided, single submitter. Criteria: ACMG Guidelines, 2015. Collection method: clinical testing. Allele origin: germline. Inheritance: Autosomal recessive inheritance. Affected: yes.
Comment: Based on the classification scheme VCGS_Germline_v1.3.4, this variant is classified as Pathogenic. Following criteria are met: 0102 - Loss of function is a known mechanism of disease in this gene and is associated with mitochondrial complex IV deficiency, nuclear type 1 (MIM#220110) and Charcot-Marie-Tooth disease, type 4K (MIM#616684). (I) 0106 - This gene is associated with autosomal recessive disease. (I) 0201 - Variant is predicted to cause nonsense-mediated decay (NMD) and loss of protein (premature termination codon is located at least 54 nucleotides upstream of the final exon-exon junction). (SP) 0252 - This variant is homozygous. (I) 0304 - Variant is present in gnomAD (v2) <0.01 for a recessive condition (12 heterozygotes, 0 homozygotes). (SP) 0701 - Other NMD-predicted variants comparable to the one identified in this case have very strong previous evidence for pathogenicity. These variants have been reported many times as pathogenic (DECIPHER). (SP) 0801 - This variant has strong previous evidence of pathogenicity in unrelated individuals. This variant has been reported several times as pathogenic or likely pathogenic, and has been observed in multiple individuals with Leigh syndrome (ClinVar, PMID: 22488715). (SP) 1102 - Strong phenotype match for this individual. (SP) 1208 - Inheritance information for this variant is not currently available in this individual. (I) Legend: (SP) - Supporting pathogenic, (I) - Information, (SB) - Supporting benign

Institute of Human Genetics Munich, TUM University Hospital
Classification: Pathogenic for Mitochondrial complex IV deficiency, nuclear type 1. Last evaluated: 2021-03-04. Review status: criteria provided, single submitter. Criteria: Classification criteria August 2017. Collection method: clinical testing. Allele origin: maternal. Inheritance: Autosomal recessive inheritance. Affected: yes. Observed: 1 variant allele.

Women's Health and Genetics/Laboratory Corporation of America, LabCorp
Classification: Pathogenic for Leigh syndrome. Last evaluated: 2019-10-11. Review status: criteria provided, single submitter. Criteria: LabCorp Variant Classification Summary - May 2015. Collection method: clinical testing. Allele origin: germline.
Comment: Variant summary: SURF1 c.574_575insCTGC (p.Arg192ProfsX8) results in a premature termination codon, predicted to cause a truncation of the encoded protein or absence of the protein due to nonsense mediated decay, which are commonly known mechanisms for disease. Truncations downstream of this position have been classified as pathogenic by our laboratory. The variant allele was found at a frequency of 4.4e-05 in 249494 control chromosomes. This frequency is not significantly higher than expected for a pathogenic variant in SURF1 causing Leigh syndrome (4.4e-05 vs 0.0018), allowing no conclusion about variant significance. c.574_575insCTGC has been reported in the literature in individuals affected with Leigh syndrome (Lee_2012, Lim_2014). These data indicate that the variant is likely to be associated with disease. Two publication reported experimental evidence evaluating an impact on protein function and showed that this variant resulted in lower cytochrome c oxidase activity (Lee_2012, Lim_2014). One clinical diagnostic laboratory has submitted clinical-significance assessments for this variant to ClinVar after 2014 and classified the variant as pathogenic. Based on the evidence outlined above, the variant was classified as pathogenic.

UNC Molecular Genetics  Laboratory, University of North Carolina at Chapel Hill
Classification: Likely pathogenic for Leigh syndrome. Review status: criteria provided, single submitter. Criteria: ACMG Guidelines, 2015. Collection method: research. Allele origin: germline. Observed: 1 variant allele. Study: CSER_NCGENES_2.
Comment: The SURF1 c.574_575insCTGC p.Arg192fs is a frameshift variant resulting in a premature stop codon eight amino acid residues downstream (p.Arg192ProfsTer8) in exon 6 of 9 total exons. Loss of normal protein function is predicted, either through nonsense-mediated mRNA decay or protein truncation. This variant has been reported in the compound heterozygous state with a second variant in at least six patients with SURF1-associated Leigh syndrome (PMID:10443880; 10746561; 22488715).

Literature cited by the submitters: PubMed 10443880 (cited by Labcorp Genetics (formerly Invitae), Labcorp and UNC Molecular Genetics  Laboratory, University of North Carolina at Chapel Hill); PubMed 22488715 (cited by 5 submitters); PubMed 24027061 (cited by Labcorp Genetics (formerly Invitae), Labcorp); PubMed 23829769 (cited by Ambry Genetics); PubMed 29933018 (cited by Women's Health and Genetics/Laboratory Corporation of America, LabCorp); PubMed 10746561 (cited by UNC Molecular Genetics  Laboratory, University of North Carolina at Chapel Hill).